The following is an entry in ClinVar:

ClinVar aggregate classification (germline): Uncertain significance (1 of 4 stars; one submission).

gnomAD v4.1: 1 of 1,561,056 alleles (0.000064%); highest among the groups gnomAD compares: South Asian, 0.0012%; no homozygotes.

Submission:

Dasa
Classification: Uncertain significance. Last evaluated: 2024-08-14. Review status: criteria provided, single submitter. Criteria: DASA Assertion Criteria. Collection method: clinical testing. Allele origin: germline.
Comment: NM_018121.4(SLF2):c.1009A>G (p.Lys337Glu) is a missense variant that results in the substitution of lysine with glutamic acid. This variant is rare in population databases. Computational prediction algorithms are consistent with a benign effect. The currently available literature and clinical evidence are not sufficient to establish a definitive association between this variant and the reported condition. Therefore, this variant is classified as a variant of uncertain significance.

NM_018121.4(SLF2):c.1009A>G (p.Lys337Glu)

Gene: SLF2 (SMC5/6 complex localization factor 2; plus strand). Cytogenetic location: 10q24.31.
Variant type: single nucleotide variant.
Coding change: c.1009A>G on transcript NM_018121.4 (MANE Select); coding-DNA position 1009, A replaced by G.
Protein change: p.Lys337Glu; replaces lysine 337 with glutamic acid.
Molecular consequence: missense variant.
Genome position (GRCh38, 1-based): chr10:100,924,010, A>G. VCF-style: chr10-100924010-A-G. GRCh37 (hg19) VCF-style: chr10-102683767-A-G.
Other names: c.1009A>G, p.Lys337Glu (NM_001136123.2); short protein forms K337E.
Identifiers: ClinVar variation 4885603 (VCV004885603.2).